The following is an entry in ClinVar:

NM_007098.4(CLTCL1):c.1242G>C (p.Leu414Phe)

Genes: CLTCL1 (clathrin heavy chain like 1; minus strand), LOC126863097 (BRD4-independent group 4 enhancer GRCh37_chr22:19220751-19221950; plus strand). Cytogenetic location: 22q11.21.
Variant type: single nucleotide variant.
Coding change: c.1242G>C on transcript NM_007098.4 (MANE Select); coding-DNA position 1242, G replaced by C.
Protein change: p.Leu414Phe; replaces leucine 414 with phenylalanine.
Molecular consequence: missense variant.
Genome position (GRCh38, 1-based): chr22:19,233,548, C>G on the plus strand (G>C on the coding strand, the complement: CLTCL1 is on the minus strand). VCF-style: chr22-19233548-C-G. GRCh37 (hg19) VCF-style: chr22-19221071-C-G.
Other names: p.Leu414Phe; c.1242G>C, p.Leu414Phe (NM_001835.4); short protein forms L414F.
Identifiers: ClinVar variation 4542427 (VCV004542427.1).

ClinVar aggregate classification (germline): Uncertain significance (1 of 4 stars; one submission).

Submission:

Mayo Clinic Laboratories, Mayo Clinic
Classification: Uncertain significance. Last evaluated: 2025-05-07. Review status: criteria provided, single submitter. Criteria: ACMG Guidelines, 2015. Collection method: clinical testing. Allele origin: germline. Observed: 1 variant allele.
Comment: PM2_supporting